The following is an entry in ClinVar:

NM_000152.5(GAA):c.715_716del (p.Leu239fs)

Gene: GAA (alpha glucosidase; plus strand). Cytogenetic location: 17q25.3.
Variant type: Deletion.
Coding change: c.715_716del on transcript NM_000152.5 (MANE Select); coding-DNA positions 715 to 716, 2 bases deleted (CT; older notation c.715_716delCT).
Protein change: p.Leu239fs; shifts the reading frame from leucine 239.
Molecular consequence: frameshift variant.
Genome position (GRCh38, 1-based): chr17:80,107,579-80,107,580, CT deleted. VCF-style (leftmost placement, unchanged base first): chr17-80107578-CCT-C. GRCh37 (hg19) VCF-style: chr17-78081377-CCT-C.
Other names: c.715_716del, p.Leu239fs (NM_001079803.3, NM_001079804.3, NM_001406741.1 and 1 more transcripts); c.715_716del (NM_000152.4); short protein forms L239fs.
Identifiers: ClinVar variation 3583092 (VCV003583092.4).

ClinVar aggregate classification (germline): Pathogenic/Likely pathogenic. Review status: criteria provided, multiple submitters, no conflicts (2 of 4 stars). 4 submissions from 4 submitters: Pathogenic (2); Likely pathogenic (2). Last evaluated 2026-07-01.

Conditions:
Glycogen storage disease, type II (IOPD). Also called: CARDIOMEGALIA GLYCOGENICA DIFFUSA; GLYCOGENOSIS, GENERALIZED, CARDIAC FORM; GSD II; POMPE DISEASE, INFANTILE-ONSET; GLYCOGEN STORAGE DISEASE II, INFANTILE-ONSET; ACID ALPHA-GLUCOSIDASE DEFICIENCY, INFANTILE-ONSET. Identifiers: Orphanet 365, MedGen C0017921, MONDO:0009290, OMIM 232300.

Submissions (4):

Genomenon, Inc
Classification: Pathogenic for Glycogen storage disease, type II. Last evaluated: 2026-07-01. Review status: criteria provided, single submitter. Criteria: Genomenon Sequence Variant Interpretation Standards - Updated. Collection method: curation. Allele origin: germline. Affected: yes.
Comment: GAA p.Leu239ValfsTer90 (c.715_716del) is a frameshift variant that is predicted to introduce a premature termination codon and result in a truncated or absent protein product. This variant has been observed in at least one proband with a GAA-related disorder (PMID:31606152). It is absent or not present at a significant frequency in gnomAD. In conclusion, we classify GAA p.Leu239ValfsTer90 (c.715_716del) as a pathogenic variant.

Myriad Genetics, Inc.
Classification: Pathogenic for Glycogen storage disease, type II. Last evaluated: 2026-04-11. Review status: criteria provided, single submitter. Criteria: Myriad Autosomal Dominant, Autosomal Recessive and X-Linked Classification Criteria (2023). Collection method: clinical testing. Allele origin: unknown.
Comment: NM_000152.3(GAA):c.715_716delCT(L239Vfs*90) is expected to be pathogenic in the context of Pompe disease. This variant is predicted to lead to an abnormal or absent protein product due to the creation of a premature termination codon in GAA, a gene where loss-of-function variants are known to be pathogenic. Please note: this variant was assessed in the context of healthy population screening.

Natera, Inc.
Classification: Likely pathogenic for Glycogen storage disease type II. Last evaluated: 2025-06-09. Review status: criteria provided, single submitter. Criteria: Natera Variant Classification Schema (03/2026). Collection method: clinical testing. Allele origin: germline.
Comment: The c.715_716del variant in GAA is a frameshift variant predicted to shift the reading frame beginning at codon 239 and leads to a stop codon 90 codons downstream. This variant is expected to result in nonsense mediated decay, truncation, or a dysfunctional protein product. This variant is rare in the general population with a frequency below the threshold expected for the associated phenotype(s). Given the available evidence, this variant is classified as Likely Pathogenic.

Fulgent Genetics
Classification: Likely pathogenic for Glycogen storage disease, type II. Last evaluated: 2024-06-15. Review status: criteria provided, single submitter. Criteria: ACMG Guidelines, 2015. Collection method: clinical testing. Allele origin: germline.

Literature cited by the submitters: PubMed 31606152 (cited by Genomenon, Inc).